The following is an entry in ClinVar:

NM_006019.4(TCIRG1):c.1930G>A (p.Val644Met)

Gene: TCIRG1 (T cell immune regulator 1, ATPase H+ transporting V0 subunit a3; plus strand). Cytogenetic location: 11q13.2.
Variant type: single nucleotide variant.
Coding change: c.1930G>A on transcript NM_006019.4 (MANE Select); coding-DNA position 1930, G replaced by A.
Protein change: p.Val644Met; replaces valine 644 with methionine.
Molecular consequence: missense variant.
Genome position (GRCh38, 1-based): chr11:68,049,705, G>A. VCF-style: chr11-68049705-G-A. GRCh37 (hg19) VCF-style: chr11-67817172-G-A.
Other names: c.1036G>A, p.Val346Met (NM_001351059.2); c.1282G>A, p.Val428Met (NM_006053.4); c.1930G>A (NM_006019.3); short protein forms V428M, V346M, V644M.
Identifiers: ClinVar variation 2144293 (VCV002144293.3), dbSNP rs745312710, ClinGen allele CA6147324.
Genomic context (GRCh38, chr11:68,049,705, plus strand): 5'-TCGCCCTCTCCCTGGCAGGAGGTGGTCCAGGCCACGCTGGTGGTCCTGGCCTTGGCCATG[G>A]TGCCCATCCTGCTGCTTGGCACACCCCTGCACCTGCTGCACCGCCACCGCCGCCGCCTGC-3'
Protein context (NP_006010.2, residues 634-654): ATLVVLALAM[Val644Met]PILLLGTPLH

ClinVar aggregate classification (germline): Uncertain significance. Review status: criteria provided, multiple submitters, no conflicts (2 of 4 stars). 2 submissions from 2 submitters: Uncertain significance (2). Last evaluated 2024-04-12.

Conditions:
Inborn genetic diseases. Identifiers: MedGen C0950123, MeSH D030342.

Allele frequency attached by ClinVar (database versions not stated): TOPMed 0.00002; gnomAD 0.00003; ExAC 0.00004.
gnomAD v4.1: 81 of 1,597,736 alleles (0.0051%); highest among the groups gnomAD compares: Non-Finnish European, 0.0065%; no homozygotes.

Submissions (2):

Ambry Genetics
Classification: Uncertain significance for Inborn genetic diseases. Last evaluated: 2024-04-12. Review status: criteria provided, single submitter. Criteria: Ambry Variant Classification Scheme 2023. Collection method: clinical testing. Allele origin: germline.

Labcorp Genetics (formerly Invitae), Labcorp
Classification: Uncertain significance. Last evaluated: 2024-03-12. Review status: criteria provided, single submitter. Criteria: Invitae Variant Classification Sherloc (09022015). Collection method: clinical testing. Allele origin: germline.
Comment: This sequence change replaces valine, which is neutral and non-polar, with methionine, which is neutral and non-polar, at codon 644 of the TCIRG1 protein (p.Val644Met). This variant is present in population databases (rs745312710, gnomAD 0.004%). This variant has not been reported in the literature in individuals affected with TCIRG1-related conditions. ClinVar contains an entry for this variant (Variation ID: 2144293). Advanced modeling of protein sequence and biophysical properties (such as structural, functional, and spatial information, amino acid conservation, physicochemical variation, residue mobility, and thermodynamic stability) performed at Invitae indicates that this missense variant is not expected to disrupt TCIRG1 protein function with a negative predictive value of 80%. In summary, the available evidence is currently insufficient to determine the role of this variant in disease. Therefore, it has been classified as a Variant of Uncertain Significance.